The following is an entry in ClinVar:

ClinVar aggregate classification (germline): Uncertain significance (1 of 4 stars; one submission).

Allele frequency attached by ClinVar (database versions not stated): gnomAD exomes below 0.00001; ExAC 0.00001; gnomAD 0.00001.
gnomAD v4.1: 6 of 1,598,742 alleles (0.00038%); highest among the groups gnomAD compares: African/African-American, 0.0027%; no homozygotes.

Submission:

Labcorp Genetics (formerly Invitae), Labcorp
Classification: Uncertain significance. Last evaluated: 2022-07-03. Review status: criteria provided, single submitter. Criteria: Invitae Variant Classification Sherloc (09022015). Collection method: clinical testing. Allele origin: germline.
Comment: In summary, the available evidence is currently insufficient to determine the role of this variant in disease. Therefore, it has been classified as a Variant of Uncertain Significance. Algorithms developed to predict the effect of missense changes on protein structure and function (SIFT, PolyPhen-2, Align-GVGD) all suggest that this variant is likely to be tolerated. This variant has not been reported in the literature in individuals affected with EIF2AK1-related conditions. This variant is present in population databases (rs781391399, gnomAD 0.0009%). This sequence change replaces arginine, which is basic and polar, with lysine, which is basic and polar, at codon 479 of the EIF2AK1 protein (p.Arg479Lys).

NM_014413.4(EIF2AK1):c.1436G>A (p.Arg479Lys)

Gene: EIF2AK1 (eukaryotic translation initiation factor 2 alpha kinase 1; minus strand). Cytogenetic location: 7p22.1.
Variant type: single nucleotide variant.
Coding change: c.1436G>A on transcript NM_014413.4 (MANE Select); coding-DNA position 1436, G replaced by A.
Protein change: p.Arg479Lys; replaces arginine 479 with lysine.
Molecular consequence: missense variant.
Genome position (GRCh38, 1-based): chr7:6,028,929, C>T on the plus strand (G>A on the coding strand, the complement: EIF2AK1 is on the minus strand). VCF-style: chr7-6028929-C-T. GRCh37 (hg19) VCF-style: chr7-6068560-C-T.
Other names: c.1433G>A, p.Arg478Lys (NM_001134335.2); short protein forms R479K, R478K.
Identifiers: ClinVar variation 2069610 (VCV002069610.4), dbSNP rs781391399, ClinGen allele CA4150754.